The following is an entry in ClinVar:

ClinVar aggregate classification (germline): Uncertain significance (1 of 4 stars; one submission).

Conditions:
Primary ciliary dyskinesia. Also called: Ciliary dyskinesia. Identifiers: Orphanet 244, MedGen C0008780, MONDO:0016575, HP:0012265.

gnomAD v4.1: 2 of 1,612,628 alleles (0.00012%); highest among the groups gnomAD compares: South Asian, 0.0011%; no homozygotes.

Submission:

Labcorp Genetics (formerly Invitae), Labcorp
Classification: Uncertain significance for Primary ciliary dyskinesia. Last evaluated: 2025-09-20. Review status: criteria provided, single submitter. Criteria: Invitae Variant Classification Sherloc (09022015). Collection method: clinical testing. Allele origin: germline.
Comment: This sequence change replaces serine, which is neutral and polar, with alanine, which is neutral and non-polar, at codon 914 of the DNAH5 protein (p.Ser914Ala). This variant is present in population databases (rs755457427, gnomAD 0.003%). This variant has not been reported in the literature in individuals affected with DNAH5-related conditions. Invitae Evidence Modeling of protein sequence and biophysical properties (such as structural, functional, and spatial information, amino acid conservation, physicochemical variation, residue mobility, and thermodynamic stability) indicates that this missense variant is not expected to disrupt DNAH5 protein function with a negative predictive value of 95%. In summary, the available evidence is currently insufficient to determine the role of this variant in disease. Therefore, it has been classified as a Variant of Uncertain Significance.

NM_001369.3(DNAH5):c.2740T>G (p.Ser914Ala)

Genes: DNAH5 (dynein axonemal heavy chain 5; minus strand), DNAH5-AS1 (DNAH5 antisense RNA 1; plus strand). Cytogenetic location: 5p15.2.
Variant type: single nucleotide variant.
Coding change: c.2740T>G on transcript NM_001369.3 (MANE Select); coding-DNA position 2740, T replaced by G.
Protein change: p.Ser914Ala; replaces serine 914 with alanine.
Molecular consequence: missense variant.
Genome position (GRCh38, 1-based): chr5:13,885,967, A>C on the plus strand (T>G on the coding strand, the complement: DNAH5 is on the minus strand). VCF-style: chr5-13885967-A-C. GRCh37 (hg19) VCF-style: chr5-13886076-A-C.
Other names: short protein forms S914A.
Identifiers: ClinVar variation 4741436 (VCV004741436.1).